The following is an entry in ClinVar:

ClinVar aggregate classification (germline): Likely benign. Review status: criteria provided, multiple submitters, no conflicts (2 of 4 stars). 3 submissions from 3 submitters: Likely benign (2). 1 of the submissions does not count toward it. Last evaluated 2025-07-21.

Conditions:
SON-related disorder. Also called: SON-related condition.

Allele frequency attached by ClinVar (database versions not stated): ExAC 0.00001; 1000 Genomes Project 30x 0.00016; 1000 Genomes Project 0.00020.

Submissions (3):

Labcorp Genetics (formerly Invitae), Labcorp
Classification: Likely benign. Last evaluated: 2025-07-21. Review status: criteria provided, single submitter. Criteria: Invitae Variant Classification Sherloc (09022015). Collection method: clinical testing. Allele origin: germline.

Blueprint Genetics
Classification: Likely benign. Last evaluated: 2024-11-15. Review status: criteria provided, single submitter. Criteria: ACMG Guidelines, 2015. Collection method: clinical testing. Allele origin: germline.

PreventionGenetics, part of Exact Sciences
Classification: Likely benign for SON-related condition. Last evaluated: 2020-01-23. Review status: no assertion criteria provided. Collection method: clinical testing. Allele origin: germline. Not counted in ClinVar's aggregate classification.
Comment: This variant is classified as likely benign based on ACMG/AMP sequence variant interpretation guidelines (Richards et al. 2015 PMID: 25741868, with internal and published modifications).

NM_138927.4(SON):c.2526T>C (p.Asp842=)

Gene: SON (SON DNA and RNA binding protein; plus strand). Cytogenetic location: 21q22.11.
Variant type: single nucleotide variant.
Coding change: c.2526T>C on transcript NM_138927.4 (MANE Select); coding-DNA position 2526, T replaced by C.
Protein change: p.Asp842=; no amino-acid change (aspartic acid 842 retained).
Molecular consequence: synonymous variant. On other transcripts: non-coding transcript variant (1), intron variant (1).
Genome position (GRCh38, 1-based): chr21:33,551,757, T>C. VCF-style: chr21-33551757-T-C. GRCh37 (hg19) VCF-style: chr21-34924063-T-C.
Other names: c.2526T>C, p.Asp842= (NM_001291411.2, NM_001412133.1, NM_032195.3 and 2 more transcripts); c.244+5378T>C (NM_001291412.3); c.2526T>C (NM_138927.2).
Identifiers: ClinVar variation 2697432 (VCV002697432.6), dbSNP rs536378135, ClinGen allele CA10009115.